The following is an entry in ClinVar:

NM_001352514.2(HLCS):c.1974dup (p.Val659fs)

Gene: HLCS (holocarboxylase synthetase; minus strand). Cytogenetic location: 21q22.13.
Variant type: Duplication.
Coding change: c.1974dup on transcript NM_001352514.2 (MANE Select); coding-DNA position 1974, one base duplicated (T; older notation c.1974dupT).
Protein change: p.Val659fs; shifts the reading frame from valine 659.
Molecular consequence: frameshift variant. On other transcripts: non-coding transcript variant (2).
Genome position (GRCh38, 1-based): chr21:36,765,159, A duplicated on the plus strand (T on the coding strand, the reverse complement: HLCS is on the minus strand). VCF-style (leftmost placement, unchanged base first): chr21-36765158-C-CA. GRCh37 (hg19) VCF-style: chr21-38137459-C-CA.
Other names: c.1533dup, p.Val512fs (NM_000411.8, NM_001242784.3, NM_001242785.2 and 4 more transcripts); c.1533dup (NM_000411.6); c.1533dupT (NM_000411.7); short protein forms V659fs, V512fs.
Identifiers: ClinVar variation 370850 (VCV000370850.30), dbSNP rs767533946, ClinGen allele CA10020390.

ClinVar aggregate classification (germline): Pathogenic/Likely pathogenic. Review status: criteria provided, multiple submitters, no conflicts (2 of 4 stars). 7 submissions from 7 submitters: Pathogenic (4); Likely pathogenic (2). 1 of the submissions does not count toward it. Last evaluated 2026-01-21.

Conditions:
Holocarboxylase synthetase deficiency. Also called: MULTIPLE CARBOXYLASE DEFICIENCY, EARLY ONSET. Identifiers: Orphanet 79242, MedGen C0268581, MONDO:0009666, OMIM 253270.
Inborn genetic diseases. Identifiers: MedGen C0950123, MeSH D030342.

Allele frequency attached by ClinVar (database versions not stated): TOPMed 0.00005; ESP Exome Variant Server 0.00008; gnomAD 0.00009; gnomAD exomes 0.00024 and 0.00005; ExAC 0.00001.

Submissions (7):

Natera, Inc.
Classification: Likely pathogenic for Holocarboxylase synthetase deficiency. Last evaluated: 2026-01-21. Review status: criteria provided, single submitter. Criteria: Natera Variant Classification Schema (03/2026). Collection method: clinical testing. Allele origin: germline.
Comment: The c.1533dupT variant in HLCS is a frameshift variant predicted to shift the reading frame beginning at codon 512 and leads to a stop codon 65 codons downstream. This variant is expected to result in nonsense mediated decay, truncation, or a dysfunctional protein product. This variant is rare in the general population with a frequency below the threshold expected for the associated phenotype(s). This variant has been observed in one or more individuals affected with the associated recessive disease, as either homozygous or compound heterozygous with a second variant (PMID: 33870574, 27604308). Given the available evidence, this variant is classified as Likely Pathogenic.

Labcorp Genetics (formerly Invitae), Labcorp
Classification: Pathogenic for Holocarboxylase synthetase deficiency. Last evaluated: 2025-11-06. Review status: criteria provided, single submitter. Criteria: Invitae Variant Classification Sherloc (09022015). Collection method: clinical testing. Allele origin: germline.
Comment: This sequence change creates a premature translational stop signal (p.Val512Cysfs*65) in the HLCS gene. It is expected to result in an absent or disrupted protein product. Loss-of-function variants in HLCS are known to be pathogenic (PMID: 16134170). This variant is present in population databases (rs767533946, gnomAD 0.009%). This premature translational stop signal has been observed in individual(s) with a mitochondrial disorder (PMID: 24215330). ClinVar contains an entry for this variant (Variation ID: 370850). For these reasons, this variant has been classified as Pathogenic.

Fulgent Genetics
Classification: Likely pathogenic for Holocarboxylase synthetase deficiency. Last evaluated: 2024-06-13. Review status: criteria provided, single submitter. Criteria: ACMG Guidelines, 2015. Collection method: clinical testing. Allele origin: germline.

GeneDx
Classification: Pathogenic. Last evaluated: 2023-10-02. Review status: criteria provided, single submitter. Criteria: GeneDx Variant Classification Process June 2021. Collection method: clinical testing. Allele origin: germline. Affected: yes.
Comment: Previously reported in a patient with a neurometabolic phenotype who was also found to have a second variant in the HLCS gene (Reid et al., 2016); Frameshift variant predicted to result in protein truncation or nonsense mediated decay in a gene for which loss-of-function is a known mechanism of disease; Not observed at significant frequency in large population cohorts (gnomAD); This variant is associated with the following publications: (PMID: 24215330, 27604308, 33870574)

Ambry Genetics
Classification: Pathogenic for Inborn genetic diseases. Last evaluated: 2021-09-13. Review status: criteria provided, single submitter. Criteria: Ambry Variant Classification Scheme 2023. Collection method: clinical testing. Allele origin: germline.
Comment: The c.1533dupT (p.V512Cfs*65) alteration, located in exon 9 (coding exon 6) of the HLCS gene, consists of a duplication of T at position 1533, causing a translational frameshift with a predicted alternate stop codon after 65 amino acids. This alteration is expected to result in loss of function by premature protein truncation or nonsense-mediated mRNA decay. This alteration has been reported in the heterozygous state along with two other HLCS variants in a patient diagnosed with holocarboxylase synthetase deficiency; however, parental testing to determine the phase of these variants was not available (Reid, 2016). Based on the available evidence, this alteration is classified as pathogenic.

Rady Children's Institute for Genomic Medicine, Rady Children's Hospital San Diego
Classification: Pathogenic for HOLOCARBOXYLASE SYNTHETASE DEFICIENCY. Last evaluated: 2019-03-01. Review status: criteria provided, single submitter. Criteria: ACMG Guidelines, 2015. Collection method: clinical testing. Allele origin: germline. Affected: yes. Observed: 1 variant allele.
Comment: This frameshifting variant in exon 9 of 12 introduces a premature stop codon and is therefore predicted to result in loss of normal protein function. This variant has been previously reported as a heterozygous change in two patients with suspected metabolic disease (PMID 24215330, 27604308) and classified in the ClinVar database as Likely Pathogenic by a clinical laboratory (Variation ID: 370850). It is present in the heterozygous state in the gnomAD population database at a frequency of 0.001% (15/277210) and thus is presumed to be rare. Based on the available evidence, the c.1533dup, p.Val512CysfsTer65 variant is classified as Pathogenic.

Counsyl
Classification: Likely pathogenic for Holocarboxylase synthetase deficiency. Last evaluated: 2016-07-22. Review status: no assertion criteria provided. Collection method: clinical testing. Allele origin: unknown. Not counted in ClinVar's aggregate classification.

Literature cited by the submitters: PubMed 33870574 (cited by Natera, Inc.); PubMed 27604308 (cited by Natera, Inc. and Ambry Genetics); PubMed 16134170 (cited by Labcorp Genetics (formerly Invitae), Labcorp); PubMed 24215330 (cited by 3 submitters).